The following is an entry in ClinVar:

ClinVar aggregate classification (germline): Uncertain significance. Review status: criteria provided, multiple submitters, no conflicts (2 of 4 stars). 2 submissions from 2 submitters: Uncertain significance (2). Last evaluated 2025-03-23.

Conditions:
Cardiovascular phenotype. Identifiers: MedGen CN230736.
Dilated cardiomyopathy 2B. Identifiers: Orphanet 154, MedGen C3553409, MONDO:0013848, OMIM 614672.

Allele frequency attached by ClinVar (database versions not stated): gnomAD 0.00001.
gnomAD v4.1: 4 of 1,266,604 alleles (0.00032%); highest among the groups gnomAD compares: Non-Finnish European, 0.0004%; no homozygotes.

Submissions (2):

Ambry Genetics
Classification: Uncertain significance for Cardiovascular phenotype. Last evaluated: 2025-03-23. Review status: criteria provided, single submitter. Criteria: Ambry Variant Classification Scheme 2023. Collection method: clinical testing. Allele origin: germline.
Comment: The p.S55G variant (also known as c.163A>G), located in coding exon 1 of the GATAD1 gene, results from an A to G substitution at nucleotide position 163. The serine at codon 55 is replaced by glycine, an amino acid with similar properties. This amino acid position is highly conserved in available vertebrate species. In addition, this alteration is predicted to be tolerated by in silico analysis. Since supporting evidence is limited at this time, the clinical significance of this alteration remains unclear.

Labcorp Genetics (formerly Invitae), Labcorp
Classification: Uncertain significance for Dilated cardiomyopathy 2B. Last evaluated: 2024-07-21. Review status: criteria provided, single submitter. Criteria: Invitae Variant Classification Sherloc (09022015). Collection method: clinical testing. Allele origin: germline.
Comment: This sequence change replaces serine, which is neutral and polar, with glycine, which is neutral and non-polar, at codon 55 of the GATAD1 protein (p.Ser55Gly). This variant is not present in population databases (gnomAD no frequency). This variant has not been reported in the literature in individuals affected with GATAD1-related conditions. ClinVar contains an entry for this variant (Variation ID: 1776997). An algorithm developed to predict the effect of missense changes on protein structure and function (PolyPhen-2) suggests that this variant is likely to be tolerated. In summary, the available evidence is currently insufficient to determine the role of this variant in disease. Therefore, it has been classified as a Variant of Uncertain Significance.

NM_021167.5(GATAD1):c.163A>G (p.Ser55Gly)

Genes: GATAD1 (GATA zinc finger domain containing 1; plus strand), LOC129998793 (ATAC-STARR-seq lymphoblastoid silent region 18371; plus strand). Cytogenetic location: 7q21.2.
Variant type: single nucleotide variant.
Coding change: c.163A>G on transcript NM_021167.5 (MANE Select); coding-DNA position 163, A replaced by G.
Protein change: p.Ser55Gly; replaces serine 55 with glycine.
Molecular consequence: missense variant. On other transcripts: non-coding transcript variant (1).
Genome position (GRCh38, 1-based): chr7:92,447,892, A>G. VCF-style: chr7-92447892-A-G. GRCh37 (hg19) VCF-style: chr7-92077206-A-G.
Other names: short protein forms S55G.
Identifiers: ClinVar variation 1776997 (VCV001776997.7), dbSNP rs932471141, ClinGen allele CA161960823.